The following is an entry in ClinVar:

ClinVar aggregate classification (germline): Uncertain significance (1 of 4 stars; one submission).

Submission:

GeneDx
Classification: Uncertain significance. Last evaluated: 2021-02-02. Review status: criteria provided, single submitter. Criteria: GeneDx Variant Classification Process June 2021. Collection method: clinical testing. Allele origin: germline. Affected: yes.
Comment: Has not been previously published as pathogenic or benign to our knowledge; No data available from ethnically-matched control populations to assess the frequency of this variant

NC_000015.10:g.63042753_63042784del

Gene: TPM1 (tropomyosin 1; plus strand). Cytogenetic location: 15q22.2.
Variant type: Deletion.
Genome position: GRCh38: chr15:63,042,753-63,042,784. GRCh37 (hg19): chr15:63,334,952-63,334,983.
Identifiers: ClinVar variation 1303017 (VCV001303017.3), dbSNP rs1357146122, ClinGen allele CA714765921.